The following is an entry in ClinVar:

NM_001165.5(BIRC3):c.797C>G (p.Pro266Arg)

Gene: BIRC3 (baculoviral IAP repeat containing 3; plus strand). Cytogenetic location: 11q22.2.
Variant type: single nucleotide variant.
Coding change: c.797C>G on transcript NM_001165.5 (MANE Select); coding-DNA position 797, C replaced by G.
Protein change: p.Pro266Arg; replaces proline 266 with arginine.
Molecular consequence: missense variant.
Genome position (GRCh38, 1-based): chr11:102,325,306, C>G. VCF-style: chr11-102325306-C-G. GRCh37 (hg19) VCF-style: chr11-102196037-C-G.
Other names: c.797C>G, p.Pro266Arg (NM_182962.3); short protein forms P266R.
Identifiers: ClinVar variation 3906845 (VCV003906845.1), dbSNP rs201026275.

ClinVar aggregate classification (germline): Uncertain significance (1 of 4 stars; one submission).

Conditions:
Regional enteritis. Also called: Enteritis, Granulomatous. Identifiers: MedGen C0678202, MeSH D003424.

Submission:

Aleixo Muise Laboratory, Hospital For Sick Children
Classification: Uncertain significance for Regional enteritis. Last evaluated: 2025-06-05. Review status: criteria provided, single submitter. Criteria: ACMG Guidelines, 2015. Collection method: research, in vitro. Allele origin: inherited, not applicable. Inheritance: Autosomal dominant inheritance. Affected: yes. Observed: 1 heterozygote. Functional consequence: loss_of_function_variant.
Comment: PP3 - Computational evidence based on SIFT, Polyphen, LRT, MutationTaster; BS2